The following is an entry in ClinVar:

ClinVar aggregate classification (germline): Likely benign (0 of 4 stars; one submission).

Conditions:
KALRN-related disorder. Also called: KALRN-related condition.

Allele frequency attached by ClinVar (database versions not stated): gnomAD 0.00004; TOPMed 0.00004; ExAC 0.00011.
gnomAD v4.1: 47 of 1,613,888 alleles (0.0029%); highest among the groups gnomAD compares: Admixed American, 0.065%; no homozygotes.

Submission:

PreventionGenetics, part of Exact Sciences
Classification: Likely benign for KALRN-related condition. Last evaluated: 2019-08-08. Review status: no assertion criteria provided. Collection method: clinical testing. Allele origin: germline.
Comment: This variant is classified as likely benign based on ACMG/AMP sequence variant interpretation guidelines (Richards et al. 2015 PMID: 25741868, with internal and published modifications).

NM_001388419.1(KALRN):c.7056C>T (p.Ala2352=)

Gene: KALRN (kalirin RhoGEF kinase; plus strand). Cytogenetic location: 3q21.2.
Variant type: single nucleotide variant.
Coding change: c.7056C>T on transcript NM_001388419.1 (MANE Select); coding-DNA position 7056, C replaced by T.
Protein change: p.Ala2352=; no amino-acid change (alanine 2352 retained).
Molecular consequence: synonymous variant.
Genome position (GRCh38, 1-based): chr3:124,674,477, C>T. VCF-style: chr3-124674477-C-T. GRCh37 (hg19) VCF-style: chr3-124393324-C-T.
Other names: c.7056C>T, p.Ala2352= (NM_001024660.5); c.7050C>T, p.Ala2350= (NM_001322988.2); c.1962C>T, p.Ala654= (NM_001322993.2, NM_001322996.2); c.1989C>T, p.Ala663= (NM_001322994.2); c.1965C>T, p.Ala655= (NM_001322995.2, NM_007064.5); c.1959C>T, p.Ala653= (NM_001322997.2); c.1869C>T, p.Ala623= (NM_001322998.2); c.1866C>T, p.Ala622= (NM_001322999.2, NM_001323000.2); and 2 more.
Identifiers: ClinVar variation 3034569 (VCV003034569.2), dbSNP rs768645351, ClinGen allele CA2581009.